The following is an entry in ClinVar:

NM_025132.4(WDR19):c.3281G>A (p.Arg1094His)

Gene: WDR19 (WD repeat domain 19; plus strand). Cytogenetic location: 4p14.
Variant type: single nucleotide variant.
Coding change: c.3281G>A on transcript NM_025132.4 (MANE Select); coding-DNA position 3281, G replaced by A.
Protein change: p.Arg1094His; replaces arginine 1094 with histidine.
Molecular consequence: missense variant.
Genome position (GRCh38, 1-based): chr4:39,268,014, G>A. VCF-style: chr4-39268014-G-A. GRCh37 (hg19) VCF-style: chr4-39269634-G-A.
Other names: c.2801G>A, p.Arg934His (NM_001317924.2); short protein forms R1094H, R934H.
Identifiers: ClinVar variation 1390180 (VCV001390180.9), dbSNP rs781620821, ClinGen allele CA2892326.

ClinVar aggregate classification (germline): Uncertain significance. Review status: criteria provided, multiple submitters, no conflicts (2 of 4 stars). 2 submissions from 2 submitters: Uncertain significance (2). Last evaluated 2024-12-02.

Conditions:
Spermatogenic failure 72 (SPGF72). Identifiers: MedGen C5676980, MONDO:0030809, OMIM 619867.
Asphyxiating thoracic dystrophy 5 (SRTD5). Also called: SHORT-RIB THORACIC DYSPLASIA 5 WITHOUT POLYDACTYLY; SHORT-RIB THORACIC DYSPLASIA 5 WITH OR WITHOUT POLYDACTYLY. Identifiers: Orphanet 474, MedGen C3280598, MONDO:0013717, OMIM 614376.
Nephronophthisis 13 (NPHP13). Identifiers: Orphanet 655, MedGen C3280612, MONDO:0013718, OMIM 614377.
Cranioectodermal dysplasia 4 (CED4). Identifiers: Orphanet 1515, MedGen C3280616, MONDO:0013719, OMIM 614378.
Senior-Loken syndrome 8 (SLSN8). Identifiers: Orphanet 3156, MedGen C4225376, MONDO:0014579, OMIM 616307.

Allele frequency attached by ClinVar (database versions not stated): gnomAD exomes 0.00001 and 0.00004; ExAC 0.00005.
gnomAD v4.1: 17 of 1,604,492 alleles (0.0011%); highest among the groups gnomAD compares: Admixed American, 0.015%; no homozygotes.

Submissions (2):

Labcorp Genetics (formerly Invitae), Labcorp
Classification: Uncertain significance for Senior-Loken syndrome 8; Asphyxiating thoracic dystrophy 5. Last evaluated: 2024-12-02. Review status: criteria provided, single submitter. Criteria: Invitae Variant Classification Sherloc (09022015). Collection method: clinical testing. Allele origin: germline.
Comment: This sequence change replaces arginine, which is basic and polar, with histidine, which is basic and polar, at codon 1094 of the WDR19 protein (p.Arg1094His). This variant is present in population databases (rs781620821, gnomAD 0.03%). This variant has not been reported in the literature in individuals affected with WDR19-related conditions. ClinVar contains an entry for this variant (Variation ID: 1390180). Invitae Evidence Modeling of protein sequence and biophysical properties (such as structural, functional, and spatial information, amino acid conservation, physicochemical variation, residue mobility, and thermodynamic stability) indicates that this missense variant is not expected to disrupt WDR19 protein function with a negative predictive value of 80%. In summary, the available evidence is currently insufficient to determine the role of this variant in disease. Therefore, it has been classified as a Variant of Uncertain Significance.

Fulgent Genetics
Classification: Uncertain significance for Asphyxiating thoracic dystrophy 5; Nephronophthisis 13; Cranioectodermal dysplasia 4; Senior-Loken syndrome 8; Spermatogenic failure 72. Last evaluated: 2022-04-20. Review status: criteria provided, single submitter. Criteria: ACMG Guidelines, 2015. Collection method: clinical testing. Allele origin: unknown.